The following is an entry in ClinVar:

NM_005228.5(EGFR):c.2938G>A (p.Val980Ile)

Gene: EGFR (epidermal growth factor receptor; plus strand). Cytogenetic location: 7p11.2.
Variant type: single nucleotide variant.
Coding change: c.2938G>A on transcript NM_005228.5 (MANE Select); coding-DNA position 2938, G replaced by A.
Protein change: p.Val980Ile; replaces valine 980 with isoleucine.
Molecular consequence: missense variant.
Genome position (GRCh38, 1-based): chr7:55,200,405, G>A. VCF-style: chr7-55200405-G-A. GRCh37 (hg19) VCF-style: chr7-55268098-G-A.
Other names: c.2803G>A, p.Val935Ile (NM_001346897.2, NM_001346899.2); c.2938G>A, p.Val980Ile (NM_001346898.2); c.2779G>A, p.Val927Ile (NM_001346900.2); c.2137G>A, p.Val713Ile (NM_001346941.2); short protein forms V935I, V927I, V980I, V713I.
Identifiers: ClinVar variation 3696962 (VCV003696962.3).

ClinVar aggregate classification (germline): Uncertain significance. Review status: criteria provided, multiple submitters, no conflicts (2 of 4 stars). 2 submissions from 2 submitters: Uncertain significance (2). Last evaluated 2025-03-20.

Conditions:
Hereditary cancer-predisposing syndrome. Also called: Tumor predisposition; Neoplastic Syndromes, Hereditary; Hereditary Cancer Syndrome; Hereditary neoplastic syndrome. Identifiers: Orphanet 140162, MedGen C0027672, MeSH D009386, MONDO:0015356.
EGFR-related lung cancer (EGFR). Identifiers: MedGen CN130014.

gnomAD v4.1: 3 of 1,613,860 alleles (0.00019%); highest among the groups gnomAD compares: African/African-American, 0.0027%; no homozygotes.

Submissions (2):

Ambry Genetics
Classification: Uncertain significance for Hereditary cancer-predisposing syndrome. Last evaluated: 2025-03-20. Review status: criteria provided, single submitter. Criteria: Ambry Variant Classification Scheme 2023. Collection method: clinical testing. Allele origin: germline.
Comment: The p.V980I variant (also known as c.2938G>A), located in coding exon 24 of the EGFR gene, results from a G to A substitution at nucleotide position 2938. The valine at codon 980 is replaced by isoleucine, an amino acid with highly similar properties. This amino acid position is conserved. In addition, this alteration is predicted to be tolerated by in silico analysis. Based on the available evidence, the clinical significance of this variant remains unclear.

Labcorp Genetics (formerly Invitae), Labcorp
Classification: Uncertain significance for EGFR-related lung cancer. Last evaluated: 2024-12-18. Review status: criteria provided, single submitter. Criteria: Invitae Variant Classification Sherloc (09022015). Collection method: clinical testing. Allele origin: germline.
Comment: This sequence change replaces valine, which is neutral and non-polar, with isoleucine, which is neutral and non-polar, at codon 980 of the EGFR protein (p.Val980Ile). This variant is not present in population databases (gnomAD no frequency). This variant has not been reported in the literature in individuals affected with EGFR-related conditions. Invitae Evidence Modeling of protein sequence and biophysical properties (such as structural, functional, and spatial information, amino acid conservation, physicochemical variation, residue mobility, and thermodynamic stability) indicates that this missense variant is not expected to disrupt EGFR protein function with a negative predictive value of 80%. In summary, the available evidence is currently insufficient to determine the role of this variant in disease. Therefore, it has been classified as a Variant of Uncertain Significance.